The following is an entry in ClinVar:

NM_000548.5(TSC2):c.3521G>A (p.Arg1174Gln)

Gene: TSC2 (TSC complex subunit 2; plus strand). Cytogenetic location: 16p13.3.
Variant type: single nucleotide variant.
Coding change: c.3521G>A on transcript NM_000548.5 (MANE Select); coding-DNA position 3521, G replaced by A.
Protein change: p.Arg1174Gln; replaces arginine 1174 with glutamine.
Molecular consequence: missense variant.
Genome position (GRCh38, 1-based): chr16:2,080,288, G>A. VCF-style: chr16-2080288-G-A. GRCh37 (hg19) VCF-style: chr16-2130289-G-A.
Other names: c.3521G>A (NM_000548.4); c.3389G>A, p.Arg1130Gln (NM_001077183.3, NM_001370404.1); c.3521G>A, p.Arg1174Gln (NM_001114382.3); c.3281G>A, p.Arg1094Gln (NM_001318827.2); c.3245G>A, p.Arg1082Gln (NM_001318829.2); c.2789G>A, p.Arg930Gln (NM_001318831.2); c.3422G>A, p.Arg1141Gln (NM_001318832.2); c.3392G>A, p.Arg1131Gln (NM_001363528.2, NM_001370405.1, NM_021055.3); short protein forms R1174Q, R1094Q, R1131Q, R1141Q, R1082Q, R930Q, R1130Q.
Identifiers: ClinVar variation 486630 (VCV000486630.31), dbSNP rs368666554, ClinGen allele CA047301.
Genomic context (GRCh38, chr16:2,080,288, plus strand): 5'-CTTCTCCAGGACCACGGACTGCACCAGCCGCGAAACCTGAGAAGGCCTCAGCTGGCACCC[G>A]GGTTCCTGTGCAGGAGAAGACGAACCTGGCGGCCTATGTGCCCCTGCTGACCCAGGGCTG-3'
Protein context (NP_000539.2, residues 1164-1184): AKPEKASAGT[Arg1174Gln]VPVQEKTNLA

ClinVar aggregate classification (germline): Conflicting classifications of pathogenicity. Review status: criteria provided, conflicting classifications (1 of 4 stars). 10 submissions from 10 submitters: Uncertain significance (1); Benign (2); Likely benign (7). Last evaluated 2026-02-01.

Conditions:
Tuberous sclerosis 2 (TSC2). Identifiers: Orphanet 805, MedGen C1860707, MONDO:0013199, OMIM 613254.
TSC2-related disorder. Also called: TSC2-related condition; TSC2-Related Disorders.
Hereditary cancer-predisposing syndrome. Also called: Hereditary neoplastic syndrome; Neoplastic Syndromes, Hereditary; Hereditary Cancer Syndrome; Tumor predisposition. Identifiers: Orphanet 140162, MedGen C0027672, MeSH D009386, MONDO:0015356.
Tuberous sclerosis syndrome (TSC). Also called: Tuberous Sclerosis Complex; Tuberous sclerosis. Identifiers: Orphanet 805, MedGen C0041341, MONDO:0001734.

Allele frequency attached by ClinVar (database versions not stated): gnomAD 0.00001; gnomAD exomes 0.00001 and 0.00003; TOPMed 0.00001; ExAC 0.00002.
gnomAD v4.1: 22 of 1,612,834 alleles (0.0014%); highest among the groups gnomAD compares: East Asian, 0.025%; no homozygotes.

Submissions (10):

CeGaT Center for Human Genetics Tuebingen
Classification: Likely benign. Last evaluated: 2026-02-01. Review status: criteria provided, single submitter. Criteria: CeGaT Center For Human Genetics Tuebingen Variant Classification Criteria Version 2. Collection method: clinical testing. Allele origin: germline. Affected: yes. Observed: 2 variant alleles.
Comment: TSC2: BP4

Labcorp Genetics (formerly Invitae), Labcorp
Classification: Benign for Tuberous sclerosis 2. Last evaluated: 2025-12-24. Review status: criteria provided, single submitter. Criteria: Invitae Variant Classification Sherloc (09022015). Collection method: clinical testing. Allele origin: germline.

PreventionGenetics, part of Exact Sciences
Classification: Likely benign for TSC2-related condition. Last evaluated: 2025-09-18. Review status: criteria provided, single submitter. Criteria: ACMG Guidelines, 2015. Collection method: clinical testing. Allele origin: germline.
Comment: This variant is classified as likely benign based on ACMG/AMP sequence variant interpretation guidelines (Richards et al. 2015 PMID: 25741868, with internal and published modifications).

Myriad Genetics, Inc.
Classification: Likely benign for Tuberous sclerosis 2. Last evaluated: 2024-08-16. Review status: criteria provided, single submitter. Criteria: Myriad Autosomal Dominant, Autosomal Recessive and X-Linked Classification Criteria (2023). Collection method: clinical testing. Allele origin: unknown.
Comment: This variant is considered likely benign. This variant has been observed at a population frequency that is significantly greater than expected given the associated disease prevalence and penetrance.

All of Us Research Program, National Institutes of Health
Classification: Likely benign for Tuberous sclerosis syndrome. Last evaluated: 2023-12-13. Review status: criteria provided, single submitter. Criteria: ACMG Guidelines, 2015. Collection method: clinical testing. Allele origin: germline. Inheritance: Autosomal dominant inheritance. Observed: 5 variant alleles, 5 heterozygotes.
Comment: This study involves interpretation of variants in research participants for the purpose of population health screening. Participant phenotype was not available at the time of variant classification. Additional details can be found in publication PMID: 35346344, PMCID: PMC8962531

Color Diagnostics, LLC DBA Color Health
Classification: Likely benign for Tuberous sclerosis syndrome. Last evaluated: 2022-10-02. Review status: criteria provided, single submitter. Criteria: ACMG Guidelines, 2015. Collection method: clinical testing. Allele origin: germline.

Genome-Nilou Lab
Classification: Benign for Tuberous sclerosis 2. Last evaluated: 2021-11-07. Review status: criteria provided, single submitter. Criteria: ACMG Guidelines, 2015. Collection method: clinical testing. Allele origin: germline. Affected: no.

Sema4
Classification: Uncertain significance for Hereditary cancer-predisposing syndrome. Last evaluated: 2021-11-02. Review status: criteria provided, single submitter. Criteria: Sema4 Curation Guidelines. Collection method: curation. Allele origin: germline.
Comment: The TSC2 c.3521G>A (p.R1174Q) variant has not been reported in the literature to our knowledge. It was observed in 5/18366 chromosomes of the East Asian subpopulation in the large and broad cohorts of the Genome Aggregation Database (PMID: 32461654), and has been reported in ClinVar (Variation ID 486630). Functional studies have not been performed, and in silico predictions of the variant's effect on protein function are inconclusive. The evidence is insufficient to meet ACMG/AMP criteria for classifying the variant as benign or pathogenic. Thus, the clinical significance of this variant is currently uncertain.

GeneDx
Classification: Likely benign. Last evaluated: 2021-04-27. Review status: criteria provided, single submitter. Criteria: GeneDx Variant Classification Process June 2021. Collection method: clinical testing. Allele origin: germline. Affected: yes.

Ambry Genetics
Classification: Likely benign for Hereditary cancer-predisposing syndrome. Last evaluated: 2019-02-12. Review status: criteria provided, single submitter. Criteria: Ambry Variant Classification Scheme 2023. Collection method: clinical testing. Allele origin: germline.